The following is an entry in ClinVar:

NM_012079.6(DGAT1):c.201-1G>C

Gene: DGAT1 (diacylglycerol O-acyltransferase 1; minus strand). Cytogenetic location: 8q24.3.
Variant type: single nucleotide variant.
Coding change: c.201-1G>C on transcript NM_012079.6 (MANE Select); the canonical splice acceptor site of the intron before coding-DNA position 201, G replaced by C.
Molecular consequence: splice acceptor variant.
Genome position (GRCh38, 1-based): chr8:144,321,409, C>G on the plus strand (G>C on the coding strand, the complement: DGAT1 is on the minus strand). VCF-style: chr8-144321409-C-G. GRCh37 (hg19) VCF-style: chr8-145545072-C-G.
Identifiers: ClinVar variation 2891388 (VCV002891388.3), dbSNP rs1300376926, ClinGen allele CA372613162.

ClinVar aggregate classification (germline): Likely pathogenic (1 of 4 stars; one submission).

Allele frequency attached by ClinVar (database versions not stated): gnomAD 0.00001; TOPMed 0.00001; gnomAD exomes 0.00002.
gnomAD v4.1: 28 of 1,613,606 alleles (0.0017%); highest among the groups gnomAD compares: Non-Finnish European, 0.0023%; no homozygotes.

Submission:

Labcorp Genetics (formerly Invitae), Labcorp
Classification: Likely pathogenic. Last evaluated: 2023-05-11. Review status: criteria provided, single submitter. Criteria: Invitae Variant Classification Sherloc (09022015). Collection method: clinical testing. Allele origin: germline.
Comment: This sequence change affects an acceptor splice site in intron 1 of the DGAT1 gene. It is expected to disrupt RNA splicing. Variants that disrupt the donor or acceptor splice site typically lead to a loss of protein function (PMID: 16199547), and loss-of-function variants in DGAT1 are known to be pathogenic (PMID: 29604290). This variant is present in population databases (no rsID available, gnomAD 0.007%). This variant has not been reported in the literature in individuals affected with DGAT1-related conditions. Algorithms developed to predict the effect of sequence changes on RNA splicing suggest that this variant may disrupt the consensus splice site. In summary, the currently available evidence indicates that the variant is pathogenic, but additional data are needed to prove that conclusively. Therefore, this variant has been classified as Likely Pathogenic.

Literature cited by the submitters: PubMed 16199547; PubMed 29604290.